The following is an entry in ClinVar:

ClinVar aggregate classification (germline): Uncertain significance (1 of 4 stars; one submission).

gnomAD v4.1: 5 of 1,184,284 alleles (0.00042%); highest among the groups gnomAD compares: Non-Finnish European, 0.00057%; no homozygotes.

Submission:

GeneDx
Classification: Uncertain significance. Last evaluated: 2026-09-22. Review status: criteria provided, single submitter. Criteria: GeneDx Variant Classification Process June 2021. Collection method: clinical testing. Allele origin: germline.
Comment: Not observed at significant frequency in large population cohorts (gnomAD); In silico analysis suggests that this missense variant does not alter protein structure/function; Has not been previously published as pathogenic or benign to our knowledge

NM_001079872.2(CUL4B):c.773G>C (p.Arg258Thr)

Gene: CUL4B (cullin 4B; minus strand). Cytogenetic location: Xq24.
Variant type: single nucleotide variant.
Coding change: c.773G>C on transcript NM_001079872.2 (MANE Select); coding-DNA position 773, G replaced by C.
Protein change: p.Arg258Thr; replaces arginine 258 with threonine.
Molecular consequence: missense variant.
Genome position (GRCh38, 1-based): chrX:120,547,139, C>G on the plus strand (G>C on the coding strand, the complement: CUL4B is on the minus strand). VCF-style: chrX-120547139-C-G. GRCh37 (hg19) VCF-style: chrX-119680994-C-G.
Other names: c.788G>C, p.Arg263Thr (NM_001330624.2); c.239G>C, p.Arg80Thr (NM_001369145.1); c.827G>C, p.Arg276Thr (NM_003588.4); short protein forms R80T, R258T, R263T, R276T.
Identifiers: ClinVar variation 5009642 (VCV005009642.1).